The following is an entry in ClinVar:

NM_001999.4(FBN2):c.4001A>G (p.Asn1334Ser)

Gene: FBN2 (fibrillin 2; minus strand). Cytogenetic location: 5q23.3.
Variant type: single nucleotide variant.
Coding change: c.4001A>G on transcript NM_001999.4 (MANE Select); coding-DNA position 4001, A replaced by G.
Protein change: p.Asn1334Ser; replaces asparagine 1334 with serine.
Molecular consequence: missense variant.
Genome position (GRCh38, 1-based): chr5:128,334,817, T>C on the plus strand (A>G on the coding strand, the complement: FBN2 is on the minus strand). VCF-style: chr5-128334817-T-C. GRCh37 (hg19) VCF-style: chr5-127670509-T-C.
Other names: c.4001A>G (NM_001999.3); short protein forms N1334S.
Identifiers: ClinVar variation 3656208 (VCV003656208.3).

ClinVar aggregate classification (germline): Conflicting classifications of pathogenicity. Review status: criteria provided, conflicting classifications (1 of 4 stars). 2 submissions from 2 submitters: Uncertain significance (1); Likely benign (1). Last evaluated 2025-03-26.

Conditions:
Familial thoracic aortic aneurysm and aortic dissection (TAAD). Also called: Thoracic aortic aneurysms and dissections. Identifiers: Orphanet 91387, MedGen C4707243, MONDO:0019625.
Congenital contractural arachnodactyly (CCA). Also called: BEALS SYNDROME; Arthrogryposis, distal, type 9; Beals-Hecht syndrome. Identifiers: Orphanet 115, MedGen C0220668, MONDO:0007363, OMIM 121050.

gnomAD v4.1: 18 of 1,612,750 alleles (0.0011%); highest among the groups gnomAD compares: Middle Eastern, 0.016%; no homozygotes.

Submissions (2):

Ambry Genetics
Classification: Uncertain significance for Familial thoracic aortic aneurysm and aortic dissection. Last evaluated: 2025-03-26. Review status: criteria provided, single submitter. Criteria: Ambry Variant Classification Scheme 2023. Collection method: clinical testing. Allele origin: germline.
Comment: The p.N1334S variant (also known as c.4001A>G), located in coding exon 31 of the FBN2 gene, results from an A to G substitution at nucleotide position 4001. The asparagine at codon 1334 is replaced by serine, an amino acid with highly similar properties. This amino acid position is highly conserved in available vertebrate species. In addition, the in silico prediction for this alteration is inconclusive. Based on the available evidence, the clinical significance of this variant remains unclear.

Labcorp Genetics (formerly Invitae), Labcorp
Classification: Likely benign for Congenital contractural arachnodactyly. Last evaluated: 2024-04-02. Review status: criteria provided, single submitter. Criteria: Invitae Variant Classification Sherloc (09022015). Collection method: clinical testing. Allele origin: germline.